The following is an entry in ClinVar:

ClinVar aggregate classification (germline): Uncertain significance (1 of 4 stars; one submission).

Submission:

Labcorp Genetics (formerly Invitae), Labcorp
Classification: Uncertain significance. Last evaluated: 2022-09-28. Review status: criteria provided, single submitter. Criteria: Invitae Variant Classification Sherloc (09022015). Collection method: clinical testing. Allele origin: germline.
Comment: This sequence change replaces arginine, which is basic and polar, with leucine, which is neutral and non-polar, at codon 9 of the NPAT protein (p.Arg9Leu). This variant is not present in population databases (gnomAD no frequency). This variant has not been reported in the literature in individuals affected with NPAT-related conditions. In summary, the available evidence is currently insufficient to determine the role of this variant in disease. Therefore, it has been classified as a Variant of Uncertain Significance. Algorithms developed to predict the effect of missense changes on protein structure and function (SIFT, PolyPhen-2, Align-GVGD) all suggest that this variant is likely to be tolerated.

NM_002519.3(NPAT):c.26G>T (p.Arg9Leu)

Gene: NPAT (nuclear protein, coactivator of histone transcription; minus strand). Cytogenetic location: 11q22.3.
Variant type: single nucleotide variant.
Coding change: c.26G>T on transcript NM_002519.3 (MANE Select); coding-DNA position 26, G replaced by T.
Protein change: p.Arg9Leu; replaces arginine 9 with leucine.
Molecular consequence: missense variant.
Genome position (GRCh38, 1-based): chr11:108,222,511, C>A on the plus strand (G>T on the coding strand, the complement: NPAT is on the minus strand). VCF-style: chr11-108222511-C-A. GRCh37 (hg19) VCF-style: chr11-108093238-C-A.
Other names: c.26G>T, p.Arg9Leu (NM_001321307.1); short protein forms R9L.
Identifiers: ClinVar variation 2033172 (VCV002033172.4), dbSNP rs2496810031, ClinGen allele CA382517077.